The following is an entry in ClinVar:

NM_000038.6(APC):c.7077A>G (p.Ser2359=)

Gene: APC (APC regulator of Wnt signaling pathway; plus strand). Cytogenetic location: 5q22.2.
Variant type: single nucleotide variant.
Coding change: c.7077A>G on transcript NM_000038.6 (MANE Select); coding-DNA position 7077, A replaced by G.
Protein change: p.Ser2359=; no amino-acid change (serine 2359 retained).
Molecular consequence: synonymous variant.
Genome position (GRCh38, 1-based): chr5:112,842,671, A>G. VCF-style: chr5-112842671-A-G. GRCh37 (hg19) VCF-style: chr5-112178368-A-G.
Other names: c.7077A>G, p.Ser2359= (NM_001127510.3, NM_001354895.2); c.7023A>G, p.Ser2341= (NM_001127511.3); c.7131A>G, p.Ser2377= (NM_001354896.2); c.7107A>G, p.Ser2369= (NM_001354897.2); c.7002A>G, p.Ser2334= (NM_001354898.2); c.6993A>G, p.Ser2331= (NM_001354899.2); c.6954A>G, p.Ser2318= (NM_001354900.2); c.6900A>G, p.Ser2300= (NM_001354901.2); and 5 more.
Identifiers: ClinVar variation 186208 (VCV000186208.20), dbSNP rs781472719, ClinGen allele CA012817.

ClinVar aggregate classification (germline): Benign/Likely benign. Review status: criteria provided, multiple submitters, no conflicts (2 of 4 stars). 5 submissions from 5 submitters: Benign (1); Likely benign (4). Last evaluated 2024-10-01.

Conditions:
Classic or attenuated familial adenomatous polyposis. Identifiers: MedGen CN372698, MONDO:0021057.
Hereditary cancer-predisposing syndrome. Also called: Neoplastic Syndromes, Hereditary; Tumor predisposition; Hereditary Cancer Syndrome; Hereditary neoplastic syndrome. Identifiers: Orphanet 140162, MedGen C0027672, MeSH D009386, MONDO:0015356.
Familial adenomatous polyposis 1 (FAP1). Also called: FAMILIAL ADENOMATOUS POLYPOSIS 1, ATTENUATED; POLYPOSIS, ADENOMATOUS INTESTINAL. Identifiers: MedGen C2713442, MONDO:0021056, OMIM 175100. Disease mechanism: loss of function.

Allele frequency attached by ClinVar (database versions not stated): ExAC 0.00001; gnomAD 0.00001; gnomAD exomes below 0.00001.
gnomAD v4.1: 1 of 1,613,590 alleles (0.000062%); highest among the groups gnomAD compares: East Asian, 0.0022%; no homozygotes.

Submissions (5):

Labcorp Genetics (formerly Invitae), Labcorp
Classification: Likely benign for Familial adenomatous polyposis 1. Last evaluated: 2024-10-01. Review status: criteria provided, single submitter. Criteria: Invitae Variant Classification Sherloc (09022015). Collection method: clinical testing. Allele origin: germline.

Myriad Genetics, Inc.
Classification: Benign for Familial adenomatous polyposis 1. Last evaluated: 2024-04-08. Review status: criteria provided, single submitter. Criteria: Myriad Autosomal Dominant, Autosomal Recessive and X-Linked Classification Criteria (2023). Collection method: clinical testing. Allele origin: unknown.
Comment: This variant is considered benign. This variant is a silent/synonymous amino acid change and it is not expected to impact splicing.

All of Us Research Program, National Institutes of Health
Classification: Likely benign for Classic or attenuated familial adenomatous polyposis. Last evaluated: 2024-01-06. Review status: criteria provided, single submitter. Criteria: ACMG Guidelines, 2015. Collection method: clinical testing. Allele origin: germline. Inheritance: Autosomal dominant inheritance. Observed: 3 variant alleles, 3 heterozygotes.
Comment: This study involves interpretation of variants in research participants for the purpose of population health screening. Participant phenotype was not available at the time of variant classification. Additional details can be found in publication PMID: 35346344, PMCID: PMC8962531

Color Diagnostics, LLC DBA Color Health
Classification: Likely benign for Hereditary cancer-predisposing syndrome. Last evaluated: 2017-08-10. Review status: criteria provided, single submitter. Criteria: ACMG Guidelines, 2015. Collection method: clinical testing. Allele origin: germline.

Ambry Genetics
Classification: Likely benign for Hereditary cancer-predisposing syndrome. Last evaluated: 2014-09-26. Review status: criteria provided, single submitter. Criteria: Ambry Variant Classification Scheme 2023. Collection method: clinical testing. Allele origin: germline.